The following is an entry in ClinVar:

ClinVar aggregate classification (germline): Uncertain significance (1 of 4 stars; one submission).

Conditions:
Granulomatous disease, chronic, autosomal recessive, cytochrome b-positive, type 3. Also called: Granulomatous disease, chronic, autosomal recessive, cytochrome b-positive, type III; GRANULOMATOUS DISEASE, CHRONIC, AUTOSOMAL RECESSIVE, 3; CGD, AUTOSOMAL RECESSIVE CYTOCHROME b-POSITIVE, TYPE III; GRANULOMATOUS DISEASE, CHRONIC, DUE TO NCF4 DEFICIENCY. Identifiers: Orphanet 379, MedGen C3151409, MONDO:0013507, OMIM 613960.

Allele frequency attached by ClinVar (database versions not stated): gnomAD 0.00001; gnomAD exomes 0.00001; ExAC 0.00002.

Submission:

Labcorp Genetics (formerly Invitae), Labcorp
Classification: Uncertain significance for Granulomatous disease, chronic, autosomal recessive, cytochrome b-positive, type 3. Last evaluated: 2022-02-17. Review status: criteria provided, single submitter. Criteria: Invitae Variant Classification Sherloc (09022015). Collection method: clinical testing. Allele origin: germline.
Comment: This sequence change replaces glycine, which is neutral and non-polar, with serine, which is neutral and polar, at codon 290 of the NCF4 protein (p.Gly290Ser). This variant is present in population databases (rs747913896, gnomAD 0.01%). This variant has not been reported in the literature in individuals affected with NCF4-related conditions. Algorithms developed to predict the effect of missense changes on protein structure and function (SIFT, PolyPhen-2, Align-GVGD) all suggest that this variant is likely to be disruptive. In summary, the available evidence is currently insufficient to determine the role of this variant in disease. Therefore, it has been classified as a Variant of Uncertain Significance.

NM_000631.5(NCF4):c.758+110G>A

Gene: NCF4 (neutrophil cytosolic factor 4; plus strand). Cytogenetic location: 22q12.3.
Variant type: single nucleotide variant.
Coding change: c.758+110G>A on transcript NM_000631.5 (MANE Select); 110 bases into the intron after coding-DNA position 758, G replaced by A.
Molecular consequence: intron variant. On other transcripts: missense variant (1).
Genome position (GRCh38, 1-based): chr22:36,875,893, G>A. VCF-style: chr22-36875893-G-A. GRCh37 (hg19) VCF-style: chr22-37271935-G-A.
Other names: c.868G>A, p.Gly290Ser (NM_013416.4); short protein forms G290S.
Identifiers: ClinVar variation 2097889 (VCV002097889.1), dbSNP rs747913896, ClinGen allele CA10213181.